The following is an entry in ClinVar:

NM_001113378.2(FANCI):c.3965C>T (p.Ala1322Val)

Genes: POLG (DNA polymerase gamma, catalytic subunit; minus strand), FANCI (FA complementation group I; plus strand). Cytogenetic location: 15q26.1.
Variant type: single nucleotide variant.
Coding change: c.3965C>T on transcript NM_001113378.2 (MANE Select); coding-DNA position 3965, C replaced by T.
Protein change: p.Ala1322Val; replaces alanine 1322 with valine.
Molecular consequence: missense variant. On other transcripts: 3 prime UTR variant (2).
Genome position (GRCh38, 1-based): chr15:89,316,437, C>T. VCF-style: chr15-89316437-C-T. GRCh37 (hg19) VCF-style: chr15-89859668-C-T.
Other names: c.*314G>A (NM_001126131.2, NM_002693.3); c.3686C>T, p.Ala1229Val (NM_001376910.1); c.3965C>T, p.Ala1322Val (NM_001376911.1); c.3785C>T, p.Ala1262Val (NM_018193.3); short protein forms A1262V, A1322V, A1229V.
Identifiers: ClinVar variation 660392 (VCV000660392.9), dbSNP rs771174269, ClinGen allele CA7723997.

ClinVar aggregate classification (germline): Uncertain significance (1 of 4 stars; one submission).

Conditions:
Fanconi anemia (FA). Also called: Fanconi's anemia. Identifiers: Orphanet 84, MedGen C0015625, MeSH D005199, MONDO:0019391.

Allele frequency attached by ClinVar (database versions not stated): ExAC 0.00001; gnomAD exomes 0.00001.
gnomAD v4.1: 19 of 1,611,408 alleles (0.0012%); highest among the groups gnomAD compares: Non-Finnish European, 0.0016%; no homozygotes.

Submission:

Labcorp Genetics (formerly Invitae), Labcorp
Classification: Uncertain significance for Fanconi anemia. Last evaluated: 2018-07-19. Review status: criteria provided, single submitter. Criteria: Invitae Variant Classification Sherloc (09022015). Collection method: clinical testing. Allele origin: germline.
Comment: This sequence change replaces alanine with valine at codon 1322 of the FANCI protein (p.Ala1322Val). The alanine residue is weakly conserved and there is a small physicochemical difference between alanine and valine. This variant is present in population databases (rs771174269, ExAC 0.002%). This variant has not been reported in the literature in individuals with FANCI-related disease. Algorithms developed to predict the effect of missense changes on protein structure and function are either unavailable or do not agree on the potential impact of this missense change (SIFT: "Tolerated"; PolyPhen-2: "Possibly Damaging"; Align-GVGD: "Class C0"). In summary, the available evidence is currently insufficient to determine the role of this variant in disease. Therefore, it has been classified as a Variant of Uncertain Significance.